The following is an entry in ClinVar:

ClinVar aggregate classification (germline): Conflicting classifications of pathogenicity. Review status: criteria provided, conflicting classifications (1 of 4 stars). 4 submissions from 4 submitters: Uncertain significance (3); Likely benign (1). Last evaluated 2026-06-01.

Conditions:
Proteinuria, chronic benign. Identifiers: MedGen C5394384, MONDO:0030042, OMIM 618884.
Imerslund-Grasbeck syndrome type 1 (IGS1). Also called: MEGALOBLASTIC ANEMIA, 1; Imerslund-Gräsbeck syndrome 1; Megaloblastic anemia 1, Finnish type. Identifiers: MedGen C4016819, MONDO:0100156, OMIM 261100.
Imerslund-Grasbeck syndrome. Also called: Megaloblastic anemia due to inborn errors of metabolism; Imerslund-Gräsbeck syndrome; ENTEROCYTE COBALAMIN MALABSORPTION; ENTEROCYTE INTRINSIC FACTOR RECEPTOR, DEFECT OF; PERNICIOUS ANEMIA, JUVENILE, DUE TO SELECTIVE INTESTINAL MALABSORPTION OF VITAMIN B12, WITH PROTEINURIA. Identifiers: Orphanet 35858, MedGen C4551825, MONDO:0009853.

Allele frequency attached by ClinVar (database versions not stated): gnomAD 0.00029; TOPMed 0.00033; ESP Exome Variant Server 0.00054; 1000 Genomes Project 30x 0.00062; 1000 Genomes Project 0.00080.
gnomAD v4.1: 1,165 of 1,613,314 alleles (0.072%); highest among the groups gnomAD compares: Non-Finnish European, 0.088%; 1 homozygote.

Submissions (4):

CeGaT Center for Human Genetics Tuebingen
Classification: Likely benign. Last evaluated: 2026-06-01. Review status: criteria provided, single submitter. Criteria: CeGaT Center For Human Genetics Tuebingen Variant Classification Criteria Version 2. Collection method: clinical testing. Allele origin: germline. Affected: yes. Observed: 1 variant allele.
Comment: CUBN: BS2

Fulgent Genetics
Classification: Uncertain significance for Imerslund-Grasbeck syndrome type 1; Proteinuria, chronic benign. Last evaluated: 2024-02-28. Review status: criteria provided, single submitter. Criteria: ACMG Guidelines, 2015. Collection method: clinical testing. Allele origin: germline.

Labcorp Genetics (formerly Invitae), Labcorp
Classification: Uncertain significance for Imerslund-Grasbeck syndrome. Last evaluated: 2022-08-05. Review status: criteria provided, single submitter. Criteria: Invitae Variant Classification Sherloc (09022015). Collection method: clinical testing. Allele origin: germline.
Comment: This sequence change replaces glycine, which is neutral and non-polar, with arginine, which is basic and polar, at codon 272 of the CUBN protein (p.Gly272Arg). This variant is present in population databases (rs146035059, gnomAD 0.08%). This variant has not been reported in the literature in individuals affected with CUBN-related conditions. ClinVar contains an entry for this variant (Variation ID: 299537). Algorithms developed to predict the effect of missense changes on protein structure and function (SIFT, PolyPhen-2, Align-GVGD) all suggest that this variant is likely to be tolerated. In summary, the available evidence is currently insufficient to determine the role of this variant in disease. Therefore, it has been classified as a Variant of Uncertain Significance.

Illumina Laboratory Services, Illumina
Classification: Uncertain significance for Imerslund-Grasbeck syndrome type 1. Last evaluated: 2018-01-13. Review status: criteria provided, single submitter. Criteria: ICSL Variant Classification Criteria 13 December 2019. Collection method: clinical testing. Allele origin: germline.

NM_001081.4(CUBN):c.814G>A (p.Gly272Arg)

Gene: CUBN (cubilin; minus strand). Cytogenetic location: 10p13.
Variant type: single nucleotide variant.
Coding change: c.814G>A on transcript NM_001081.4 (MANE Select); coding-DNA position 814, G replaced by A.
Protein change: p.Gly272Arg; replaces glycine 272 with arginine.
Molecular consequence: missense variant.
Genome position (GRCh38, 1-based): chr10:17,114,096, C>T on the plus strand (G>A on the coding strand, the complement: CUBN is on the minus strand). VCF-style: chr10-17114096-C-T. GRCh37 (hg19) VCF-style: chr10-17156095-C-T.
Other names: short protein forms G272R.
Identifiers: ClinVar variation 299537 (VCV000299537.32), dbSNP rs146035059, ClinGen allele CA5425498.